The following is an entry in ClinVar:

NM_001161352.2(KCNMA1):c.3147G>A (p.Ala1049=)

Genes: KCNMA1 (potassium calcium-activated channel subfamily M alpha 1; minus strand), KCNMA1-AS1 (KCNMA1 antisense RNA 1; plus strand). Cytogenetic location: 10q22.3.
Variant type: single nucleotide variant.
Coding change: c.3147G>A on transcript NM_001161352.2 (MANE Select); coding-DNA position 3147, G replaced by A.
Protein change: p.Ala1049=; no amino-acid change (alanine 1049 retained).
Molecular consequence: synonymous variant.
Genome position (GRCh38, 1-based): chr10:76,909,966, C>T on the plus strand (G>A on the coding strand, the complement: KCNMA1 is on the minus strand). VCF-style: chr10-76909966-C-T. GRCh37 (hg19) VCF-style: chr10-78669724-C-T.
Other names: c.2985G>A, p.Ala995= (NM_001014797.3); c.3096G>A, p.Ala1032= (NM_001161353.2); c.2823G>A, p.Ala941= (NM_001271518.2); c.3063G>A, p.Ala1021= (NM_001271519.2); c.2982G>A, p.Ala994= (NM_001322829.2, NM_001322836.2); c.3075G>A, p.Ala1025= (NM_001322830.2); c.2973G>A, p.Ala991= (NM_001322832.2, NM_002247.4); c.3066G>A, p.Ala1022= (NM_001322835.2, NM_001322837.2); and 1 more.
Identifiers: ClinVar variation 532941 (VCV000532941.36), dbSNP rs201397661, ClinGen allele CA5567908.

ClinVar aggregate classification (germline): Conflicting classifications of pathogenicity. Review status: criteria provided, conflicting classifications (1 of 4 stars). 3 submissions from 3 submitters: Uncertain significance (2); Likely benign (1). Last evaluated 2025-11-27.

Conditions:
Generalized epilepsy-paroxysmal dyskinesia syndrome (PNKD3). Also called: Generalized epilepsy and paroxysmal dyskinesia; Paroxysmal nonkinesigenic dyskinesia, 3, with or without generalized epilepsy. Identifiers: Orphanet 79137, MedGen C5574945, MONDO:0012276, OMIM 609446.

Allele frequency attached by ClinVar (database versions not stated): TOPMed 0.00002; ExAC 0.00003; gnomAD 0.00003; gnomAD exomes 0.00003.
gnomAD v4.1: 60 of 1,613,258 alleles (0.0037%); highest among the groups gnomAD compares: East Asian, 0.0067%; no homozygotes.

Submissions (3):

Labcorp Genetics (formerly Invitae), Labcorp
Classification: Uncertain significance for Generalized epilepsy-paroxysmal dyskinesia syndrome. Last evaluated: 2025-11-27. Review status: criteria provided, single submitter. Criteria: Invitae Variant Classification Sherloc (09022015). Collection method: clinical testing. Allele origin: germline.
Comment: This sequence change affects codon 991 of the KCNMA1 mRNA. It is a 'silent' change, meaning that it does not change the encoded amino acid sequence of the KCNMA1 protein. This variant also falls at the last nucleotide of exon 24, which is part of the consensus splice site for this exon. This variant is present in population databases (rs201397661, gnomAD 0.01%). This variant has not been reported in the literature in individuals affected with KCNMA1-related conditions. ClinVar contains an entry for this variant (Variation ID: 532941). Variants that disrupt the consensus splice site are a relatively common cause of aberrant splicing (PMID: 17576681, 9536098). Algorithms developed to predict the effect of sequence changes on RNA splicing suggest that this variant is not likely to affect RNA splicing. In summary, the available evidence is currently insufficient to determine the role of this variant in disease. Therefore, it has been classified as a Variant of Uncertain Significance.

CeGaT Center for Human Genetics Tuebingen
Classification: Likely benign. Last evaluated: 2023-06-01. Review status: criteria provided, single submitter. Criteria: CeGaT Center For Human Genetics Tuebingen Variant Classification Criteria Version 2. Collection method: clinical testing. Allele origin: germline. Affected: yes. Observed: 1 variant allele.
Comment: KCNMA1: BP4

GeneDx
Classification: Uncertain significance. Last evaluated: 2021-06-15. Review status: criteria provided, single submitter. Criteria: GeneDx Variant Classification Process June 2021. Collection method: clinical testing. Allele origin: germline. Affected: yes.
Comment: Has not been previously published as pathogenic or benign to our knowledge; In-silico analysis, which includes splice predictors and evolutionary conservation, is inconclusive as to whether the variant alters gene splicing. In the absence of RNA/functional studies, the actual effect of this sequence change is unknown.; This variant is associated with the following publications: (PMID: 27535533)

Literature cited by the submitters: PubMed 17576681 (cited by Labcorp Genetics (formerly Invitae), Labcorp); PubMed 9536098 (cited by Labcorp Genetics (formerly Invitae), Labcorp).